The following is an entry in ClinVar:

ClinVar aggregate classification (germline): Uncertain significance. Review status: criteria provided, multiple submitters, no conflicts (2 of 4 stars). 2 submissions from 2 submitters: Uncertain significance (2). Last evaluated 2025-09-29.

Conditions:
Intellectual developmental disorder with speech delay, autism, and dysmorphic facies. Identifiers: MedGen C5231456, MONDO:0032864, OMIM 618672.

gnomAD v4.1: 1 of 1,608,116 alleles (0.000062%); highest among the groups gnomAD compares: Non-Finnish European, 0.000085%; no homozygotes.

Submissions (2):

Labcorp Genetics (formerly Invitae), Labcorp
Classification: Uncertain significance. Last evaluated: 2025-09-29. Review status: criteria provided, single submitter. Criteria: Invitae Variant Classification Sherloc (09022015). Collection method: clinical testing. Allele origin: germline.
Comment: This sequence change falls in intron 7 of the CNOT3 gene. It does not directly change the encoded amino acid sequence of the CNOT3 protein. It affects a nucleotide within the consensus splice site. This variant is not present in population databases (gnomAD no frequency). This variant has not been reported in the literature in individuals affected with CNOT3-related conditions. Variants that disrupt the consensus splice site are a relatively common cause of aberrant splicing (PMID: 17576681, 9536098). Algorithms developed to predict the effect of sequence changes on RNA splicing suggest that this variant may disrupt the consensus splice site. In summary, the available evidence is currently insufficient to determine the role of this variant in disease. Therefore, it has been classified as a Variant of Uncertain Significance.

Genomic Medicine Center of Excellence, King Faisal Specialist Hospital and Research Centre
Classification: Uncertain significance for Intellectual developmental disorder with speech delay, autism, and dysmorphic facies. Last evaluated: 2025-09-10. Review status: criteria provided, single submitter. Criteria: ACMG Guidelines, 2015. Collection method: clinical testing. Allele origin: germline.

Literature cited by the submitters: PubMed 17576681 (cited by Labcorp Genetics (formerly Invitae), Labcorp); PubMed 9536098 (cited by Labcorp Genetics (formerly Invitae), Labcorp).

NM_014516.4(CNOT3):c.483+6T>G

Gene: CNOT3 (CCR4-NOT transcription complex subunit 3; plus strand). Cytogenetic location: 19q13.42.
Variant type: single nucleotide variant.
Coding change: c.483+6T>G on transcript NM_014516.4 (MANE Select); 6 bases into the intron after coding-DNA position 483, T replaced by G.
Molecular consequence: intron variant.
Genome position (GRCh38, 1-based): chr19:54,144,338, T>G. VCF-style: chr19-54144338-T-G. GRCh37 (hg19) VCF-style: chr19-54648074-T-G.
Other names: c.483+6T>G (NM_001440662.1, NM_001440653.1, NM_001440661.1 and 7 more transcripts); c.-117+6T>G (NM_001440659.1, NM_001440660.1).
Identifiers: ClinVar variation 4277711 (VCV004277711.2).